The following is an entry in ClinVar:

ClinVar aggregate classification (germline): Pathogenic. Review status: criteria provided, multiple submitters, no conflicts (2 of 4 stars). 2 submissions from 2 submitters: Pathogenic (2). Last evaluated 2025-04-23.

Conditions:
Recessive dystrophic epidermolysis bullosa (RDEB). Also called: DYSTROPHIC EPIDERMOLYSIS BULLOSA, AUTOSOMAL RECESSIVE; EPIDERMOLYSIS BULLOSA DYSTROPHICA, HALLOPEAU-SIEMENS TYPE; Hallopeau-Siemens Disease; Epidermolysis Bullosa Distrophica Autosomal Recessive (RDEB); severe generalized recessive dystrophic epidermolysis bullosa; EPIDERMOLYSIS BULLOSA DYSTROPHICA, GENERALIZED SEVERE, AUTOSOMAL RECESSIVE. Identifiers: Orphanet 79408, Orphanet 79409, MedGen C0079474, MONDO:0009179, OMIM 226600.

Submissions (2):

Myriad Genetics, Inc.
Classification: Pathogenic for Recessive dystrophic epidermolysis bullosa. Last evaluated: 2025-04-23. Review status: criteria provided, single submitter. Criteria: Myriad Autosomal Dominant, Autosomal Recessive and X-Linked Classification Criteria (2023). Collection method: clinical testing. Allele origin: unknown.
Comment: NM_000094.3(COL7A1):c.8335G>T(E2779*) is expected to be pathogenic in the context of dystrophic epidermolysis bullosa. This variant is predicted to lead to an abnormal or absent protein product due to the creation of a premature termination codon in COL7A1, a gene where loss-of-function variants are known to be pathogenic. Please note: this variant was assessed in the context of healthy population screening.

Women's Health and Genetics/Laboratory Corporation of America, LabCorp
Classification: Pathogenic for Dystrophic Epidermolysis Bullosa, Recessive. Last evaluated: 2024-10-28. Review status: criteria provided, single submitter. Criteria: LabCorp Variant Classification Summary - May 2015. Collection method: clinical testing. Allele origin: germline.
Comment: Variant summary: COL7A1 c.8335G>T (p.Glu2779X) results in a premature termination codon, predicted to cause a truncation of the encoded protein or absence of the protein due to nonsense mediated decay, which are commonly known mechanisms for disease. The variant was absent in 251446 control chromosomes. c.8335G>T has been reported in the literature in at least one compound heterozygous individual affected with severe Dystrophic Epidermolysis Bullosa, Recessive (e.g. Chen_2023). To our knowledge, no experimental evidence demonstrating an impact on protein function has been reported. The following publication has been ascertained in the context of this evaluation (PMID: 36287101). No submitters have cited clinical-significance assessments for this variant to ClinVar. Based on the evidence outlined above, the variant was classified as pathogenic.

Literature cited by the submitters: PubMed 36287101 (cited by Women's Health and Genetics/Laboratory Corporation of America, LabCorp).

NM_000094.4(COL7A1):c.8335G>T (p.Glu2779Ter)

Gene: COL7A1 (collagen type VII alpha 1 chain; minus strand). Cytogenetic location: 3p21.31.
Variant type: single nucleotide variant.
Coding change: c.8335G>T on transcript NM_000094.4 (MANE Select); coding-DNA position 8335, G replaced by T.
Protein change: p.Glu2779Ter; replaces glutamic acid 2779 with a stop codon.
Molecular consequence: nonsense.
Genome position (GRCh38, 1-based): chr3:48,566,533, C>A on the plus strand (G>T on the coding strand, the complement: COL7A1 is on the minus strand). VCF-style: chr3-48566533-C-A. GRCh37 (hg19) VCF-style: chr3-48603966-C-A.
Other names: short protein forms E2779*.
Identifiers: ClinVar variation 3384995 (VCV003384995.2).